The following is an entry in ClinVar:

NM_001282225.2(ADA2):c.662C>T (p.Ala221Val)

Gene: ADA2 (adenosine deaminase 2; minus strand). Cytogenetic location: 22q11.1.
Variant type: single nucleotide variant.
Coding change: c.662C>T on transcript NM_001282225.2 (MANE Select); coding-DNA position 662, C replaced by T.
Protein change: p.Ala221Val; replaces alanine 221 with valine.
Molecular consequence: missense variant.
Genome position (GRCh38, 1-based): chr22:17,203,654, G>A on the plus strand (C>T on the coding strand, the complement: ADA2 is on the minus strand). VCF-style: chr22-17203654-G-A. GRCh37 (hg19) VCF-style: chr22-17684544-G-A.
Other names: c.662C>T, p.Ala221Val (NM_001282226.2); c.536C>T, p.Ala179Val (NM_001282227.2, NM_001282228.2); c.302C>T, p.Ala101Val (NM_001282229.2); short protein forms A179V, A101V, A221V.
Identifiers: ClinVar variation 951844 (VCV000951844.1), dbSNP rs2062318333, ClinGen allele CA410228273.

ClinVar aggregate classification (germline): Uncertain significance (1 of 4 stars; one submission).

Conditions:
Deficiency of adenosine deaminase 2. Also called: Polyarteritis nodosa, childhoood-onset; Adenosine Deaminase 2 Deficiency; VASCULITIS, AUTOINFLAMMATION, IMMUNODEFICIENCY, AND HEMATOLOGIC DEFECTS SYNDROME. Identifiers: Orphanet 404553, MedGen C3887654, MONDO:0014306, OMIM 615688, MONDO:0100317.

Submission:

Labcorp Genetics (formerly Invitae), Labcorp
Classification: Uncertain significance for Polyarteritis nodosa, childhoood-onset. Last evaluated: 2019-06-11. Review status: criteria provided, single submitter. Criteria: Invitae Variant Classification Sherloc (09022015). Collection method: clinical testing. Allele origin: germline.
Comment: This sequence change replaces alanine with valine at codon 221 of the ADA2 protein (p.Ala221Val). The alanine residue is highly conserved and there is a small physicochemical difference between alanine and valine. This variant is not present in population databases (ExAC no frequency). This variant has not been reported in the literature in individuals with ADA2-related conditions. Algorithms developed to predict the effect of missense changes on protein structure and function are either unavailable or do not agree on the potential impact of this missense change (SIFT: "Deleterious"; PolyPhen-2: "Possibly Damaging"; Align-GVGD: "Class C0"). In summary, the available evidence is currently insufficient to determine the role of this variant in disease. Therefore, it has been classified as a Variant of Uncertain Significance.